The following is an entry in ClinVar:

NM_000057.4(BLM):c.277G>A (p.Ala93Thr)

Gene: BLM (BLM RecQ like helicase; plus strand). Cytogenetic location: 15q26.1.
Variant type: single nucleotide variant.
Coding change: c.277G>A on transcript NM_000057.4 (MANE Select); coding-DNA position 277, G replaced by A.
Protein change: p.Ala93Thr; replaces alanine 93 with threonine.
Molecular consequence: missense variant. On other transcripts: 5 prime UTR variant (1).
Genome position (GRCh38, 1-based): chr15:90,749,545, G>A. VCF-style: chr15-90749545-G-A. GRCh37 (hg19) VCF-style: chr15-91292775-G-A.
Other names: c.277G>A, p.Ala93Thr (NM_001287246.2, NM_001287247.2); c.-1015G>A (NM_001287248.2); short protein forms A93T.
Identifiers: ClinVar variation 1795908 (VCV001795908.5), dbSNP rs2505391258, ClinGen allele CA393840108.

ClinVar aggregate classification (germline): Uncertain significance. Review status: criteria provided, multiple submitters, no conflicts (2 of 4 stars). 2 submissions from 2 submitters: Uncertain significance (2). Last evaluated 2023-12-25.

Conditions:
Hereditary cancer-predisposing syndrome. Also called: Tumor predisposition; Hereditary Cancer Syndrome; Neoplastic Syndromes, Hereditary; Hereditary neoplastic syndrome. Identifiers: Orphanet 140162, MedGen C0027672, MeSH D009386, MONDO:0015356.
Bloom syndrome (BLM). Also called: Bloom-Torre-Machacek syndrome. Identifiers: Orphanet 125, MedGen C0005859, MONDO:0008876, OMIM 210900.

Allele frequency attached by ClinVar (database versions not stated): gnomAD exomes 0.00001.
gnomAD v4.1: 3 of 1,614,126 alleles (0.00019%); highest among the groups gnomAD compares: South Asian, 0.0033%; no homozygotes.

Submissions (2):

Labcorp Genetics (formerly Invitae), Labcorp
Classification: Uncertain significance for Bloom syndrome. Last evaluated: 2023-12-25. Review status: criteria provided, single submitter. Criteria: Invitae Variant Classification Sherloc (09022015). Collection method: clinical testing. Allele origin: germline.
Comment: This sequence change replaces alanine, which is neutral and non-polar, with threonine, which is neutral and polar, at codon 93 of the BLM protein (p.Ala93Thr). This variant is not present in population databases (gnomAD no frequency). This variant has not been reported in the literature in individuals affected with BLM-related conditions. ClinVar contains an entry for this variant (Variation ID: 1795908). Algorithms developed to predict the effect of missense changes on protein structure and function output the following: SIFT: "Not Available"; PolyPhen-2: "Benign"; Align-GVGD: "Not Available". The threonine amino acid residue is found in multiple mammalian species, which suggests that this missense change does not adversely affect protein function. In summary, the available evidence is currently insufficient to determine the role of this variant in disease. Therefore, it has been classified as a Variant of Uncertain Significance.

Ambry Genetics
Classification: Uncertain significance for Hereditary cancer-predisposing syndrome. Last evaluated: 2022-10-03. Review status: criteria provided, single submitter. Criteria: Ambry Variant Classification Scheme 2023. Collection method: clinical testing. Allele origin: germline.
Comment: The p.A93T variant (also known as c.277G>A), located in coding exon 2 of the BLM gene, results from a G to A substitution at nucleotide position 277. The alanine at codon 93 is replaced by threonine, an amino acid with similar properties. This amino acid position is conserved. In addition, this alteration is predicted to be tolerated by in silico analysis. Since supporting evidence is limited at this time, the clinical significance of this alteration remains unclear.